The following is an entry in ClinVar:

ClinVar aggregate classification (germline): Uncertain significance (1 of 4 stars; one submission).

Conditions:
MHC class II deficiency. Also called: Bare lymphocyte syndrome 2; BLS, TYPE II. Identifiers: Orphanet 572, MedGen C5447452, MONDO:0008855.

Allele frequency attached by ClinVar (database versions not stated): gnomAD exomes below 0.00001; TOPMed below 0.00001.

Submission:

Labcorp Genetics (formerly Invitae), Labcorp
Classification: Uncertain significance for MHC class II deficiency. Last evaluated: 2026-02-01. Review status: criteria provided, single submitter. Criteria: Invitae Variant Classification Sherloc (09022015). Collection method: clinical testing. Allele origin: germline.
Comment: This sequence change replaces alanine, which is neutral and non-polar, with threonine, which is neutral and polar, at codon 450 of the RFX5 protein (p.Ala450Thr). This variant is not present in population databases (gnomAD no frequency). This variant has not been reported in the literature in individuals affected with RFX5-related conditions. ClinVar contains an entry for this variant (Variation ID: 2153991). An algorithm developed to predict the effect of missense changes on protein structure and function outputs the following: PolyPhen-2: "Benign". The threonine amino acid residue is found in multiple mammalian species, which suggests that this missense change does not adversely affect protein function. In summary, the available evidence is currently insufficient to determine the role of this variant in disease. Therefore, it has been classified as a Variant of Uncertain Significance.

NM_001025603.2(RFX5):c.1348G>A (p.Ala450Thr)

Gene: RFX5 (regulatory factor X5; minus strand). Cytogenetic location: 1q21.3.
Variant type: single nucleotide variant.
Coding change: c.1348G>A on transcript NM_001025603.2 (MANE Select); coding-DNA position 1348, G replaced by A.
Protein change: p.Ala450Thr; replaces alanine 450 with threonine.
Molecular consequence: missense variant.
Genome position (GRCh38, 1-based): chr1:151,342,689, C>T on the plus strand (G>A on the coding strand, the complement: RFX5 is on the minus strand). VCF-style: chr1-151342689-C-T. GRCh37 (hg19) VCF-style: chr1-151315165-C-T.
Other names: c.1348G>A, p.Ala450Thr (NM_000449.4, NM_001379412.1, NM_001379413.1 and 5 more transcripts); c.1228G>A, p.Ala410Thr (NM_001379419.1, NM_001379420.1); short protein forms A410T, A450T.
Identifiers: ClinVar variation 2153991 (VCV002153991.2), dbSNP rs1650569455, ClinGen allele CA341927246.